The following is an entry in ClinVar:

ClinVar aggregate classification (germline): Uncertain significance (1 of 4 stars; one submission).

gnomAD v4.1: 1 of 1,610,310 alleles (0.000062%); highest among the groups gnomAD compares: Non-Finnish European, 0.000085%; no homozygotes.

Submission:

GeneDx
Classification: Uncertain significance. Last evaluated: 2023-08-04. Review status: criteria provided, single submitter. Criteria: GeneDx Variant Classification Process June 2021. Collection method: clinical testing. Allele origin: germline. Affected: yes.
Comment: Reported in a cohort of individuals with optic atrophy (Le Roux et al., 2019); Not observed at significant frequency in large population cohorts (gnomAD); In silico analysis supports that this missense variant does not alter protein structure/function; Also known as c.2513A>G p.(Gln838Arg) due to use of alternate nomenclature; This variant is associated with the following publications: (PMID: 31500643)

NM_130837.3(OPA1):c.2513A>G (p.Gln838Arg)

Gene: OPA1 (OPA1 mitochondrial dynamin like GTPase; plus strand). Cytogenetic location: 3q29.
Variant type: single nucleotide variant.
Coding change: c.2513A>G on transcript NM_130837.3 (MANE Select); coding-DNA position 2513, A replaced by G.
Protein change: p.Gln838Arg; replaces glutamine 838 with arginine.
Molecular consequence: missense variant.
Genome position (GRCh38, 1-based): chr3:193,659,554, A>G. VCF-style: chr3-193659554-A-G. GRCh37 (hg19) VCF-style: chr3-193377343-A-G.
Other names: c.1979A>G, p.Gln660Arg (NM_001354663.2); c.1976A>G, p.Gln659Arg (NM_001354664.2); c.2348A>G, p.Gln783Arg (NM_015560.3); c.2240A>G, p.Gln747Arg (NM_130831.3); c.2294A>G, p.Gln765Arg (NM_130832.3); c.2351A>G, p.Gln784Arg (NM_130833.3); c.2402A>G, p.Gln801Arg (NM_130834.3); c.2405A>G, p.Gln802Arg (NM_130835.3); and 1 more; short protein forms Q659R, Q660R, Q747R, Q765R, Q783R, Q784R, Q801R, Q802R.
Identifiers: ClinVar variation 3340952 (VCV003340952.1).
Genomic context (GRCh38, chr3:193,659,554, plus strand): 5'-TTGAAAACATGGTGGGTCCAGACTGGAAAAAGAGGTGGTTATACTGGAAGAATCGGACCC[A>G]AGAACAGGTAGAAATAAACAAGTCTCTAGTCTTATGATGATATAATTTTGTTCATTTTAA-3'
Protein context (NP_570850.2, residues 828-848): KRWLYWKNRT[Gln838Arg]EQCVHNETKN